The following is an entry in ClinVar:

ClinVar aggregate classification (germline): Uncertain significance. Review status: criteria provided, multiple submitters, no conflicts (2 of 4 stars). 2 submissions from 2 submitters: Uncertain significance (2). Last evaluated 2023-12-31.

Conditions:
Inborn genetic diseases. Identifiers: MedGen C0950123, MeSH D030342.
Dyskeratosis congenita, autosomal dominant 6 (DKCA6). Identifiers: Orphanet 3322, MedGen C4225284, MONDO:0014690, OMIM 616553.

gnomAD v4.1: 1 of 1,612,522 alleles (0.000062%); highest among the groups gnomAD compares: South Asian, 0.0011%; no homozygotes.

Submissions (2):

Ambry Genetics
Classification: Uncertain significance for Inborn genetic diseases. Last evaluated: 2023-12-31. Review status: criteria provided, single submitter. Criteria: Ambry Variant Classification Scheme 2023. Collection method: clinical testing. Allele origin: germline.
Comment: The p.P77S variant (also known as c.229C>T), located in coding exon 1 of the ACD gene, results from a C to T substitution at nucleotide position 229. The proline at codon 77 is replaced by serine, an amino acid with similar properties. This amino acid position is conserved. In addition, this alteration is predicted to be tolerated by in silico analysis. Since supporting evidence is limited at this time, the clinical significance of this alteration remains unclear.

Labcorp Genetics (formerly Invitae), Labcorp
Classification: Uncertain significance for Dyskeratosis congenita, autosomal dominant 6. Last evaluated: 2023-12-11. Review status: criteria provided, single submitter. Criteria: Invitae Variant Classification Sherloc (09022015). Collection method: clinical testing. Allele origin: germline.
Comment: This sequence change replaces proline, which is neutral and non-polar, with serine, which is neutral and polar, at codon 77 of the ACD protein (p.Pro77Ser). This variant is not present in population databases (gnomAD no frequency). This variant has not been reported in the literature in individuals affected with ACD-related conditions. ClinVar contains an entry for this variant (Variation ID: 2419880). Algorithms developed to predict the effect of missense changes on protein structure and function output the following: SIFT: "Not Available"; PolyPhen-2: "Benign"; Align-GVGD: "Not Available". The serine amino acid residue is found in multiple mammalian species, which suggests that this missense change does not adversely affect protein function. In summary, the available evidence is currently insufficient to determine the role of this variant in disease. Therefore, it has been classified as a Variant of Uncertain Significance.

NM_001082486.2(ACD):c.-30C>T

Gene: ACD (ACD shelterin complex subunit and telomerase recruitment factor; minus strand). Cytogenetic location: 16q22.1.
Variant type: single nucleotide variant.
Coding change: c.-30C>T on transcript NM_001082486.2 (MANE Select); 30 bases upstream of the start codon, C replaced by T.
Molecular consequence: 5 prime UTR variant.
Genome position (GRCh38, 1-based): chr16:67,660,250, G>A on the plus strand (C>T on the coding strand, the complement: ACD is on the minus strand). VCF-style: chr16-67660250-G-A. GRCh37 (hg19) VCF-style: chr16-67694153-G-A.
Other names: c.-30C>T (NM_001410884.1, NM_022914.3); c.229C>T (NM_001082486.1).
Identifiers: ClinVar variation 2419880 (VCV002419880.7), dbSNP rs2052979977, ClinGen allele CA396359325.